The following is an entry in ClinVar:

NM_001267550.2(TTN):c.24488C>T (p.Thr8163Ile)

Gene: TTN (titin; minus strand). Cytogenetic location: 2q31.2.
Variant type: single nucleotide variant.
Coding change: c.24488C>T on transcript NM_001267550.2 (MANE Select); coding-DNA position 24488, C replaced by T.
Protein change: p.Thr8163Ile; replaces threonine 8163 with isoleucine.
Molecular consequence: missense variant. On other transcripts: intron variant (3).
Genome position (GRCh38, 1-based): chr2:178,718,712, G>A on the plus strand (C>T on the coding strand, the complement: TTN is on the minus strand). VCF-style: chr2-178718712-G-A. GRCh37 (hg19) VCF-style: chr2-179583439-G-A.
Other names: c.23537C>T, p.Thr7846Ile (NM_001256850.1); c.20756C>T, p.Thr6919Ile (NM_133378.4); c.13282+19370C>T (NM_003319.4); c.13858+19370C>T (NM_133437.4); c.13657+19370C>T (NM_133432.3); short protein forms T8163I, T6919I, T7846I.
Identifiers: ClinVar variation 4977294 (VCV004977294.1).

ClinVar aggregate classification (germline): Uncertain significance (1 of 4 stars; one submission).

Conditions:
TTN-related disorder. Also called: TTN-related condition; TTN-related disease; TTN-related disorders.

gnomAD v4.1: 2 of 1,613,566 alleles (0.00012%); highest among the groups gnomAD compares: African/African-American, 0.0027%; no homozygotes.

Submission:

PreventionGenetics, part of Exact Sciences
Classification: Uncertain significance for TTN-related condition. Last evaluated: 2026-07-01. Review status: criteria provided, single submitter. Criteria: ACMG Guidelines, 2015. Collection method: clinical testing. Allele origin: germline.
Comment: The TTN c.24488C>T variant is predicted to result in the amino acid substitution p.Thr8163Ile. To our knowledge, this variant has not been reported in the literature. This variant is reported in 0.011% of alleles in individuals of African descent in gnomAD. At this time, the clinical significance of this variant is uncertain due to the absence of conclusive functional and genetic evidence.